The following is an entry in ClinVar:

ClinVar aggregate classification (germline): Conflicting classifications of pathogenicity. Review status: criteria provided, conflicting classifications (1 of 4 stars). 3 submissions from 3 submitters: Uncertain significance (1); Likely benign (2). Last evaluated 2024-06-17.

Submissions (3):

Women's Health and Genetics/Laboratory Corporation of America, LabCorp
Classification: Likely benign. Last evaluated: 2024-06-17. Review status: criteria provided, single submitter. Criteria: LabCorp Variant Classification Summary - May 2015. Collection method: clinical testing. Allele origin: germline.

Labcorp Genetics (formerly Invitae), Labcorp
Classification: Likely benign. Last evaluated: 2024-02-24. Review status: criteria provided, single submitter. Criteria: Invitae Variant Classification Sherloc (09022015). Collection method: clinical testing. Allele origin: germline.

GeneDx
Classification: Uncertain significance. Last evaluated: 2023-06-05. Review status: criteria provided, single submitter. Criteria: GeneDx Variant Classification Process June 2021. Collection method: clinical testing. Allele origin: germline. Affected: yes.
Comment: Not observed at significant frequency in large population cohorts (gnomAD); In silico analysis suggests this variant may impact gene splicing. In the absence of RNA/functional studies, the actual effect of this sequence change is unknown; Has not been previously published as pathogenic or benign to our knowledge

NM_033380.3(COL4A5):c.3374-13C>G

Gene: COL4A5 (collagen type IV alpha 5 chain; plus strand). Cytogenetic location: Xq22.3.
Variant type: single nucleotide variant.
Coding change: c.3374-13C>G on transcript NM_033380.3 (MANE Select); 13 bases into the intron before coding-DNA position 3374, C replaced by G.
Molecular consequence: intron variant.
Genome position (GRCh38, 1-based): chrX:108,665,494, C>G. VCF-style: chrX-108665494-C-G. GRCh37 (hg19) VCF-style: chrX-107908724-C-G.
Other names: c.3374-13C>G (NM_000495.5).
Identifiers: ClinVar variation 3340015 (VCV003340015.4).